The following is an entry in ClinVar:

ClinVar aggregate classification (germline): Uncertain significance. Review status: criteria provided, multiple submitters, no conflicts (2 of 4 stars). 2 submissions from 2 submitters: Uncertain significance (2). Last evaluated 2025-10-25.

Conditions:
POLD1-related polyposis and colorectal cancer syndrome (CRCS10). Also called: Colorectal cancer 10; COLORECTAL CANCER, SUSCEPTIBILITY TO, ON CHROMOSOME 19q; Colorectal cancer, susceptibility to, 10. Identifiers: Orphanet 220460, MedGen C2675481, MONDO:0012953, OMIM 612591.
Hereditary cancer-predisposing syndrome. Also called: Neoplastic Syndromes, Hereditary; Tumor predisposition; Hereditary Cancer Syndrome; Hereditary neoplastic syndrome. Identifiers: Orphanet 140162, MedGen C0027672, MeSH D009386, MONDO:0015356.

Allele frequency attached by ClinVar (database versions not stated): gnomAD 0.00003; gnomAD exomes 0.00002 and 0.00006; TOPMed 0.00005; ExAC 0.00004.
gnomAD v4.1: 98 of 1,597,338 alleles (0.0061%); highest among the groups gnomAD compares: Non-Finnish European, 0.0077%; no homozygotes.

Submissions (2):

Ambry Genetics
Classification: Uncertain significance for Hereditary cancer-predisposing syndrome. Last evaluated: 2025-10-25. Review status: criteria provided, single submitter. Criteria: Ambry Variant Classification Scheme 2023. Collection method: clinical testing. Allele origin: germline.
Comment: The p.P300S variant (also known as c.898C>T), located in coding exon 7 of the POLD1 gene, results from a C to T substitution at nucleotide position 898. The proline at codon 300 is replaced by serine, an amino acid with similar properties. This amino acid position is conserved. In addition, this alteration is predicted to be tolerated by in silico analysis. Since supporting evidence is limited at this time, the clinical significance of this alteration remains unclear.

Labcorp Genetics (formerly Invitae), Labcorp
Classification: Uncertain significance for POLD1-related polyposis and colorectal cancer syndrome. Last evaluated: 2021-03-29. Review status: criteria provided, single submitter. Criteria: Invitae Variant Classification Sherloc (09022015). Collection method: clinical testing. Allele origin: germline.
Comment: This variant is present in population databases (rs767449295, ExAC 0.007%). This sequence change replaces proline with serine at codon 300 of the POLD1 protein (p.Pro300Ser). The proline residue is weakly conserved and there is a moderate physicochemical difference between proline and serine. This variant has not been reported in the literature in individuals with POLD1-related conditions. Algorithms developed to predict the effect of missense changes on protein structure and function are either unavailable or do not agree on the potential impact of this missense change (SIFT: "Tolerated"; PolyPhen-2: "Possibly Damaging"; Align-GVGD: "Class C0"). In summary, the available evidence is currently insufficient to determine the role of this variant in disease. Therefore, it has been classified as a Variant of Uncertain Significance.

NM_002691.4(POLD1):c.898C>T (p.Pro300Ser)

Gene: POLD1 (DNA polymerase delta 1, catalytic subunit; plus strand). Cytogenetic location: 19q13.33.
Variant type: single nucleotide variant.
Coding change: c.898C>T on transcript NM_002691.4 (MANE Select); coding-DNA position 898, C replaced by T.
Protein change: p.Pro300Ser; replaces proline 300 with serine.
Molecular consequence: missense variant. On other transcripts: non-coding transcript variant (1).
Genome position (GRCh38, 1-based): chr19:50,402,669, C>T. VCF-style: chr19-50402669-C-T. GRCh37 (hg19) VCF-style: chr19-50905926-C-T.
Other names: c.898C>T, p.Pro300Ser (NM_001256849.1, NM_001308632.1); short protein forms P300S.
Identifiers: ClinVar variation 1521431 (VCV001521431.11), dbSNP rs767449295, ClinGen allele CA9595945.